The following is an entry in ClinVar:

NM_032861.4(SERAC1):c.236_237del (p.Thr79fs)

Gene: SERAC1 (serine active site containing 1; minus strand). Cytogenetic location: 6q25.3.
Variant type: Microsatellite.
Coding change: c.236_237del on transcript NM_032861.4 (MANE Select); coding-DNA positions 236 to 237, 2 bases deleted (CA; older notation c.236_237delCA).
Protein change: p.Thr79fs; shifts the reading frame from threonine 79.
Molecular consequence: frameshift variant. On other transcripts: non-coding transcript variant (1).
Genome position (GRCh38, 1-based): chr6:158,150,481-158,150,482, TG deleted on the plus strand (CA on the coding strand, the reverse complement: SERAC1 is on the minus strand); deleting any 2 consecutive bases within chr6:158,150,481-158,150,486 gives the same sequence; the c. name uses the placement nearest the transcript's 3' end. VCF-style (leftmost placement, unchanged base first): chr6-158150480-CTG-C. GRCh37 (hg19) VCF-style: chr6-158571512-CTG-C.
Other names: c.236_237delCA (NM_032861.3); short protein forms T79fs.
Identifiers: ClinVar variation 2782312 (VCV002782312.4), dbSNP rs761658541, ClinGen allele CA150949537.

ClinVar aggregate classification (germline): Pathogenic. Review status: criteria provided, multiple submitters, no conflicts (2 of 4 stars). 2 submissions from 2 submitters: Pathogenic (2). Last evaluated 2025-06-13.

Conditions:
Inborn genetic diseases. Identifiers: MedGen C0950123, MeSH D030342.
3-methylglutaconic aciduria with deafness, encephalopathy, and Leigh-like syndrome (MEGDEL). Also called: SERAC1 Deficiency; MEGDEL syndrome; 3-METHYLGLUTACONIC ACIDURIA, TYPE VI. Identifiers: Orphanet 352328, MedGen C4040739, MONDO:0013875, OMIM 614739.

Submissions (2):

Ambry Genetics
Classification: Pathogenic for Inborn genetic diseases. Last evaluated: 2025-06-13. Review status: criteria provided, single submitter. Criteria: Ambry Variant Classification Scheme 2023. Collection method: clinical testing. Allele origin: germline.
Comment: The c.236_237delCA (p.T79Sfs*40) alteration, located in exon 4 (coding exon 3) of the SERAC1 gene, consists of a deletion of 2 nucleotides from position 236 to 237, causing a translational frameshift with a predicted alternate stop codon after 40 amino acids. This alteration is expected to result in loss of function by premature protein truncation or nonsense-mediated mRNA decay. Based on data from gnomAD, the c.236_237delCA allele has an overall frequency of <0.001% (1/249626) total alleles studied. Based on the available evidence, this alteration is classified as pathogenic.

Labcorp Genetics (formerly Invitae), Labcorp
Classification: Pathogenic for 3-methylglutaconic aciduria with deafness, encephalopathy, and Leigh-like syndrome. Last evaluated: 2024-02-02. Review status: criteria provided, single submitter. Criteria: Invitae Variant Classification Sherloc (09022015). Collection method: clinical testing. Allele origin: germline.
Comment: This sequence change creates a premature translational stop signal (p.Thr79Serfs*40) in the SERAC1 gene. It is expected to result in an absent or disrupted protein product. Loss-of-function variants in SERAC1 are known to be pathogenic (PMID: 22683713). This variant is present in population databases (rs761658541, gnomAD no frequency). This variant has not been reported in the literature in individuals affected with SERAC1-related conditions. For these reasons, this variant has been classified as Pathogenic.

Literature cited by the submitters: PubMed 22683713 (cited by Labcorp Genetics (formerly Invitae), Labcorp).